The following is an entry in ClinVar:

ClinVar aggregate classification (germline): Uncertain significance (1 of 4 stars; one submission).

Conditions:
Aicardi-Goutieres syndrome 7 (AGS7). Identifiers: Orphanet 51, MedGen C3888244, MONDO:0014367, OMIM 615846.
Singleton-Merten syndrome 1 (SGMRT1). Also called: Widened medullary cavities of bone, aortic calcification, abnormal dentition, and muscular weakness; Syndrome of widened medullary cavities of the metacarpals and phalanges, aortic calcification and abnormal dentition. Identifiers: Orphanet 85191, MedGen C4225427, MONDO:0024535, OMIM 182250.

Allele frequency attached by ClinVar (database versions not stated): gnomAD exomes 0.00002; ExAC 0.00003; gnomAD 0.00003 and 0.00004; TOPMed 0.00003.
gnomAD v4.1: 65 of 1,612,554 alleles (0.004%); highest among the groups gnomAD compares: Non-Finnish European, 0.0054%; no homozygotes.

Submission:

Labcorp Genetics (formerly Invitae), Labcorp
Classification: Uncertain significance for Aicardi-Goutieres syndrome 7; Singleton-Merten syndrome 1. Last evaluated: 2025-10-26. Review status: criteria provided, single submitter. Criteria: Invitae Variant Classification Sherloc (09022015). Collection method: clinical testing. Allele origin: germline.
Comment: This sequence change replaces lysine, which is basic and polar, with glutamic acid, which is acidic and polar, at codon 351 of the IFIH1 protein (p.Lys351Glu). This variant is present in population databases (rs35207787, gnomAD 0.005%). This variant has not been reported in the literature in individuals affected with IFIH1-related conditions. This missense change has been observed in at least one individual who was not affected with IFIH1-related conditions (internal data). ClinVar contains an entry for this variant (Variation ID: 954111). Invitae Evidence Modeling of protein sequence and biophysical properties (such as structural, functional, and spatial information, amino acid conservation, physicochemical variation, residue mobility, and thermodynamic stability) has been performed for this missense variant. However, the output from this modeling did not meet the statistical confidence thresholds required to predict the impact of this variant on IFIH1 protein function. In summary, the available evidence is currently insufficient to determine the role of this variant in disease. Therefore, it has been classified as a Variant of Uncertain Significance.

NM_022168.4(IFIH1):c.1051A>G (p.Lys351Glu)

Gene: IFIH1 (interferon induced with helicase C domain 1; minus strand). Cytogenetic location: 2q24.2.
Variant type: single nucleotide variant.
Coding change: c.1051A>G on transcript NM_022168.4 (MANE Select); coding-DNA position 1051, A replaced by G.
Protein change: p.Lys351Glu; replaces lysine 351 with glutamic acid.
Molecular consequence: missense variant.
Genome position (GRCh38, 1-based): chr2:162,288,179, T>C on the plus strand (A>G on the coding strand, the complement: IFIH1 is on the minus strand). VCF-style: chr2-162288179-T-C. GRCh37 (hg19) VCF-style: chr2-163144689-T-C.
Other names: short protein forms K351E.
Identifiers: ClinVar variation 954111 (VCV000954111.7), dbSNP rs35207787, ClinGen allele CA1934643.